The following is an entry in ClinVar:

ClinVar aggregate classification (germline): Uncertain significance. Review status: criteria provided, multiple submitters, no conflicts (2 of 4 stars). 2 submissions from 2 submitters: Uncertain significance (2). Last evaluated 2024-05-14.

Conditions:
Inborn genetic diseases. Identifiers: MedGen C0950123, MeSH D030342.

Allele frequency attached by ClinVar (database versions not stated): TOPMed 0.00001.
gnomAD v4.1: 2 of 1,613,972 alleles (0.00012%); highest among the groups gnomAD compares: African/African-American, 0.0027%; no homozygotes.

Submissions (2):

Ambry Genetics
Classification: Uncertain significance for Inborn genetic diseases. Last evaluated: 2024-05-14. Review status: criteria provided, single submitter. Criteria: Ambry Variant Classification Scheme 2023. Collection method: clinical testing. Allele origin: germline.

Labcorp Genetics (formerly Invitae), Labcorp
Classification: Uncertain significance. Last evaluated: 2022-07-06. Review status: criteria provided, single submitter. Criteria: Invitae Variant Classification Sherloc (09022015). Collection method: clinical testing. Allele origin: germline.
Comment: This sequence change replaces proline, which is neutral and non-polar, with threonine, which is neutral and polar, at codon 1761 of the CAD protein (p.Pro1761Thr). This variant is not present in population databases (gnomAD no frequency). This variant has not been reported in the literature in individuals affected with CAD-related conditions. ClinVar contains an entry for this variant (Variation ID: 1520235). Algorithms developed to predict the effect of missense changes on protein structure and function (SIFT, PolyPhen-2, Align-GVGD) all suggest that this variant is likely to be tolerated. In summary, the available evidence is currently insufficient to determine the role of this variant in disease. Therefore, it has been classified as a Variant of Uncertain Significance.

NM_004341.5(CAD):c.5281C>A (p.Pro1761Thr)

Gene: CAD (carbamoyl-phosphate synthetase 2, aspartate transcarbamylase, and dihydroorotase; plus strand). Cytogenetic location: 2p23.3.
Variant type: single nucleotide variant.
Coding change: c.5281C>A on transcript NM_004341.5 (MANE Select); coding-DNA position 5281, C replaced by A.
Protein change: p.Pro1761Thr; replaces proline 1761 with threonine.
Molecular consequence: missense variant.
Genome position (GRCh38, 1-based): chr2:27,239,358, C>A. VCF-style: chr2-27239358-C-A. GRCh37 (hg19) VCF-style: chr2-27462226-C-A.
Other names: c.5092C>A, p.Pro1698Thr (NM_001306079.2); c.5281C>A (NM_004341.3); short protein forms P1698T, P1761T.
Identifiers: ClinVar variation 1520235 (VCV001520235.6), dbSNP rs1284366375, ClinGen allele CA346222511.
Genomic context (GRCh38, chr2:27,239,358, plus strand): 5'-CTTTCCCTAGCATAACCCATGTCCTCTGGGCAGGTGGATCTGGAGCATGAGTGGACAATT[C>A]CCAGCCACATGCCCTTCTCCAAGGCCCACTGGACACCTTTTGAAGGGCAGAAAGTGAAGG-3'
Protein context (NP_004332.2, residues 1751-1771): EVDLEHEWTI[Pro1761Thr]SHMPFSKAHW